The following is an entry in ClinVar:

ClinVar aggregate classification (germline): Benign (1 of 4 stars; one submission).

Allele frequency attached by ClinVar (database versions not stated): 1000 Genomes Project 30x 0.01546; 1000 Genomes Project 0.01558; TOPMed 0.02642; gnomAD 0.02975 and 0.03075; gnomAD exomes 0.03440.
gnomAD v4.1: 12,598 of 384,274 alleles (3.3%); highest among the groups gnomAD compares: Middle Eastern, 4.5%; 282 homozygotes.

Submission:

GeneDx
Classification: Benign. Last evaluated: 2018-06-19. Review status: criteria provided, single submitter. Criteria: GeneDx Variant Classification (06012015). Collection method: clinical testing. Allele origin: germline. Affected: yes.
Comment: This variant is considered likely benign or benign based on one or more of the following criteria: it is a conservative change, it occurs at a poorly conserved position in the protein, it is predicted to be benign by multiple in silico algorithms, and/or has population frequency not consistent with disease.

NM_198904.4(GABRG2):c.548+306C>T

Gene: GABRG2 (gamma-aminobutyric acid type A receptor subunit gamma2; plus strand). Cytogenetic location: 5q34.
Variant type: single nucleotide variant.
Coding change: c.548+306C>T on transcript NM_198904.4 (MANE Select); 306 bases into the intron after coding-DNA position 548, C replaced by T.
Molecular consequence: intron variant.
Genome position (GRCh38, 1-based): chr5:162,098,164, C>T. VCF-style: chr5-162098164-C-T. GRCh37 (hg19) VCF-style: chr5-161525170-C-T.
Other names: c.548+306C>T (NM_000816.3, NM_001375343.1, NM_001375344.1 and 4 more transcripts); c.263+306C>T (NM_001375349.1); c.128+306C>T (NM_001375350.1, NM_001375348.1); c.539+306C>T (NM_001375339.1); c.482+306C>T (NM_001375346.1, NM_001375345.1); c.461+306C>T (NM_001375347.1).
Identifiers: ClinVar variation 668950 (VCV000668950.1), dbSNP rs76872907, ClinGen allele CA131111717.